The following is an entry in ClinVar:

ClinVar aggregate classification (germline): Uncertain significance. Review status: criteria provided, multiple submitters, no conflicts (2 of 4 stars). 4 submissions from 4 submitters: Uncertain significance (4). Last evaluated 2026-01-02.

Conditions:
Hereditary cancer-predisposing syndrome. Also called: Neoplastic Syndromes, Hereditary; Hereditary neoplastic syndrome; Hereditary Cancer Syndrome; Tumor predisposition. Identifiers: Orphanet 140162, MedGen C0027672, MeSH D009386, MONDO:0015356.
Familial cancer of breast. Also called: hereditary breast carcinoma; Hereditary breast cancer; BREAST CANCER, FAMILIAL. Identifiers: Orphanet 227535, MedGen C0346153, MONDO:0016419, OMIM 114480. Disease mechanism: loss of function.
Ataxia-telangiectasia syndrome (AT). Also called: Cerebello-oculocutaneous telangiectasia; Immunodeficiency with ataxia telangiectasia; Ataxia-telangiectasia, complementation group D; AT, COMPLEMENTATION GROUP C; ATAXIA-TELANGIECTASIA, COMPLEMENTATION GROUP A; ATAXIA-TELANGIECTASIA, FRESNO VARIANT. Identifiers: Orphanet 100, MedGen C0004135, MONDO:0008840, OMIM 208900.

Allele frequency attached by ClinVar (database versions not stated): ExAC 0.00001; ESP Exome Variant Server 0.00008.

Submissions (4):

Labcorp Genetics (formerly Invitae), Labcorp
Classification: Uncertain significance for Ataxia-telangiectasia syndrome. Last evaluated: 2026-01-02. Review status: criteria provided, single submitter. Criteria: Invitae Variant Classification Sherloc (09022015). Collection method: clinical testing. Allele origin: germline.
Comment: This sequence change replaces aspartic acid, which is acidic and polar, with glycine, which is neutral and non-polar, at codon 1791 of the ATM protein (p.Asp1791Gly). This variant is present in population databases (rs367987632, gnomAD 0.0009%). This variant has not been reported in the literature in individuals affected with ATM-related conditions. ClinVar contains an entry for this variant (Variation ID: 1098786). Invitae Evidence Modeling of protein sequence and biophysical properties (such as structural, functional, and spatial information, amino acid conservation, physicochemical variation, residue mobility, and thermodynamic stability) indicates that this missense variant is not expected to disrupt ATM protein function with a negative predictive value of 95%. In summary, the available evidence is currently insufficient to determine the role of this variant in disease. Therefore, it has been classified as a Variant of Uncertain Significance.

Ambry Genetics
Classification: Uncertain significance for Hereditary cancer-predisposing syndrome. Last evaluated: 2024-06-11. Review status: criteria provided, single submitter. Criteria: Ambry Variant Classification Scheme 2023. Collection method: clinical testing. Allele origin: germline.
Comment: The p.D1791G variant (also known as c.5372A>G), located in coding exon 35 of the ATM gene, results from an A to G substitution at nucleotide position 5372. The aspartic acid at codon 1791 is replaced by glycine, an amino acid with similar properties. This amino acid position is well conserved in available vertebrate species. In addition, the in silico prediction for this alteration is inconclusive. Based on the available evidence, the clinical significance of this variant remains unclear.

Baylor Genetics
Classification: Uncertain significance for Familial cancer of breast. Last evaluated: 2024-03-29. Review status: criteria provided, single submitter. Criteria: ACMG Guidelines, 2015. Collection method: clinical testing. Allele origin: unknown.

Women's Health and Genetics/Laboratory Corporation of America, LabCorp
Classification: Uncertain significance. Last evaluated: 2021-05-03. Review status: criteria provided, single submitter. Criteria: LabCorp Variant Classification Summary - May 2015. Collection method: clinical testing. Allele origin: germline.
Comment: Variant summary: ATM c.5372A>G (p.Asp1791Gly) results in a non-conservative amino acid change in the encoded protein sequence. Three of five in-silico tools predict a benign effect of the variant on protein function. The variant allele was found at a frequency of 4e-06 in 251032 control chromosomes. The available data on variant occurrences in the general population are insufficient to allow any conclusion about variant significance. To our knowledge, no occurrence of c.5372A>G in individuals affected with Breast Cancer and no experimental evidence demonstrating its impact on protein function have been reported. No clinical diagnostic laboratories have submitted clinical-significance assessments for this variant to ClinVar after 2014. Based on the evidence outlined above, the variant was classified as uncertain significance.

NM_000051.4(ATM):c.5372A>G (p.Asp1791Gly)

Gene: ATM (ATM serine/threonine kinase; plus strand). Cytogenetic location: 11q22.3.
Variant type: single nucleotide variant.
Coding change: c.5372A>G on transcript NM_000051.4 (MANE Select); coding-DNA position 5372, A replaced by G.
Protein change: p.Asp1791Gly; replaces aspartic acid 1791 with glycine.
Molecular consequence: missense variant.
Genome position (GRCh38, 1-based): chr11:108,302,905, A>G. VCF-style: chr11-108302905-A-G. GRCh37 (hg19) VCF-style: chr11-108173632-A-G.
Other names: c.5372A>G, p.Asp1791Gly (NM_001351834.2); short protein forms D1791G.
Identifiers: ClinVar variation 1098786 (VCV001098786.6), dbSNP rs367987632, ClinGen allele CA6265695.